The following is an entry in ClinVar:

ClinVar aggregate classification (germline): Benign. Review status: criteria provided, multiple submitters, no conflicts (2 of 4 stars). 2 submissions from 2 submitters: Benign (2). Last evaluated 2016-03-29.

Allele frequency attached by ClinVar (database versions not stated): gnomAD 0.21338; gnomAD exomes 0.23481; 1000 Genomes Project 30x 0.26546; ExAC 0.32373.

Submissions (2):

Laboratory for Molecular Medicine, Mass General Brigham Personalized Medicine
Classification: Benign. Last evaluated: 2016-03-29. Review status: criteria provided, single submitter. Criteria: LMM Criteria. Collection method: clinical testing. Allele origin: germline.
Comment: Variant identified in a genome or exome case(s) and assessed due to predicted null impact of the variant or pathogenic assertions in the literature or databases. Disclaimer: This variant has not undergone full assessment. The following are preliminary notes: Fails inbreeding coefficient filter

Breakthrough Genomics
Classification: Benign. Review status: criteria provided, single submitter. Criteria: ACMG Guidelines, 2015. Collection method: not provided. Allele origin: germline. Inheritance: Unknown mechanism. Affected: yes.

NM_178561.5(CTAGE6):c.1091A>C (p.Glu364Ala)

Gene: CTAGE6 (CTAGE family member 6; minus strand). Cytogenetic location: 7q35.
Variant type: single nucleotide variant.
Coding change: c.1091A>C on transcript NM_178561.5 (MANE Select); coding-DNA position 1091, A replaced by C.
Protein change: p.Glu364Ala; replaces glutamic acid 364 with alanine.
Molecular consequence: missense variant.
Genome position (GRCh38, 1-based): chr7:143,756,568, T>G on the plus strand (A>C on the coding strand, the complement: CTAGE6 is on the minus strand). VCF-style: chr7-143756568-T-G. GRCh37 (hg19) VCF-style: chr7-143453661-T-G.
Other names: short protein forms E364A.
Identifiers: ClinVar variation 402570 (VCV000402570.5), dbSNP rs77246673, ClinGen allele CA4540728.